The following is an entry in ClinVar:

NM_015295.3(SMCHD1):c.2637A>C (p.Lys879Asn)

Gene: SMCHD1 (structural maintenance of chromosomes flexible hinge domain containing 1; plus strand). Cytogenetic location: 18p11.32.
Variant type: single nucleotide variant.
Coding change: c.2637A>C on transcript NM_015295.3 (MANE Select); coding-DNA position 2637, A replaced by C.
Protein change: p.Lys879Asn; replaces lysine 879 with asparagine.
Molecular consequence: missense variant.
Genome position (GRCh38, 1-based): chr18:2,724,932, A>C. VCF-style: chr18-2724932-A-C. GRCh37 (hg19) VCF-style: chr18-2724930-A-C.
Other names: c.2637A>C (NM_015295.2); short protein forms K879N.
Identifiers: ClinVar variation 283266 (VCV000283266.13), dbSNP rs633422, ClinGen allele CA8871028.

ClinVar aggregate classification (germline): Conflicting classifications of pathogenicity. Review status: criteria provided, conflicting classifications (1 of 4 stars). 4 submissions from 4 submitters: Uncertain significance (3); Likely benign (1). Last evaluated 2025-02-26.

Conditions:
Facioscapulohumeral muscular dystrophy 2 (FSHD2). Also called: FACIOSCAPULOHUMERAL MUSCULAR DYSTROPHY 2, DIGENIC; FSHD2, DIGENIC; MUSCULAR DYSTROPHY, FACIOSCAPULOHUMERAL, TYPE 1B. Identifiers: Orphanet 269, MedGen C1834671, MONDO:0008031, OMIM 158901.

gnomAD v4.1: 61 of 1,588,792 alleles (0.0038%); highest among the groups gnomAD compares: South Asian, 0.065%; no homozygotes.

Submissions (4):

Labcorp Genetics (formerly Invitae), Labcorp
Classification: Uncertain significance for Facioscapulohumeral muscular dystrophy 2. Last evaluated: 2025-02-26. Review status: criteria provided, single submitter. Criteria: Invitae Variant Classification Sherloc (09022015). Collection method: clinical testing. Allele origin: germline.
Comment: This sequence change replaces lysine, which is basic and polar, with asparagine, which is neutral and polar, at codon 879 of the SMCHD1 protein (p.Lys879Asn). This variant is present in population databases (rs633422, gnomAD 0.05%). This variant has not been reported in the literature in individuals affected with SMCHD1-related conditions. ClinVar contains an entry for this variant (Variation ID: 283266). Invitae Evidence Modeling of protein sequence and biophysical properties (such as structural, functional, and spatial information, amino acid conservation, physicochemical variation, residue mobility, and thermodynamic stability) indicates that this missense variant is not expected to disrupt SMCHD1 protein function with a negative predictive value of 80%. In summary, the available evidence is currently insufficient to determine the role of this variant in disease. Therefore, it has been classified as a Variant of Uncertain Significance.

Blueprint Genetics
Classification: Likely benign. Last evaluated: 2023-01-26. Review status: criteria provided, single submitter. Criteria: ACMG Guidelines, 2015. Collection method: clinical testing. Allele origin: germline.

Revvity Omics, Revvity
Classification: Uncertain significance. Last evaluated: 2019-09-09. Review status: criteria provided, single submitter. Criteria: ACMG Guidelines, 2015. Collection method: clinical testing. Allele origin: germline.

Eurofins Ntd Llc (ga)
Classification: Uncertain significance. Last evaluated: 2015-09-11. Review status: criteria provided, single submitter. Criteria: EGL Classification Definitions 2015. Collection method: clinical testing. Allele origin: germline. Observed: 2 variant alleles, 2 heterozygotes.